The following is an entry in ClinVar:

NM_005267.5(GJA8):c.172C>A (p.Gln58Lys)

Gene: GJA8 (gap junction protein alpha 8; plus strand). Cytogenetic location: 1q21.2.
Variant type: single nucleotide variant.
Coding change: c.172C>A on transcript NM_005267.5 (MANE Select); coding-DNA position 172, C replaced by A.
Protein change: p.Gln58Lys; replaces glutamine 58 with lysine.
Molecular consequence: missense variant.
Genome position (GRCh38, 1-based): chr1:147,908,127, C>A. VCF-style: chr1-147908127-C-A. GRCh37 (hg19) VCF-style: chr1-147380254-C-A.
Other names: short protein forms Q58K.
Identifiers: ClinVar variation 3368350 (VCV003368350.2).

ClinVar aggregate classification (germline): Uncertain significance (1 of 4 stars; one submission).

Submission:

GeneDx
Classification: Uncertain significance. Last evaluated: 2025-10-31. Review status: criteria provided, single submitter. Criteria: GeneDx Variant Classification Process June 2021. Collection method: clinical testing. Allele origin: germline.
Comment: Not observed at significant frequency in large population cohorts (gnomAD); In silico analysis supports that this missense variant has a deleterious effect on protein structure/function; Has not been previously published as pathogenic or benign to our knowledge